The following is an entry in ClinVar:

NM_001377.3(DYNC2H1):c.1367G>A (p.Arg456Gln)

Gene: DYNC2H1 (dynein cytoplasmic 2 heavy chain 1; plus strand). Cytogenetic location: 11q22.3.
Variant type: single nucleotide variant.
Coding change: c.1367G>A on transcript NM_001377.3 (MANE Select); coding-DNA position 1367, G replaced by A.
Protein change: p.Arg456Gln; replaces arginine 456 with glutamine.
Molecular consequence: missense variant.
Genome position (GRCh38, 1-based): chr11:103,121,378, G>A. VCF-style: chr11-103121378-G-A. GRCh37 (hg19) VCF-style: chr11-102992107-G-A.
Other names: c.1367G>A, p.Arg456Gln (NM_001080463.2); short protein forms R456Q.
Identifiers: ClinVar variation 302013 (VCV000302013.30), dbSNP rs17099969, ClinGen allele CA6252753.

ClinVar aggregate classification (germline): Benign/Likely benign. Review status: criteria provided, multiple submitters, no conflicts (2 of 4 stars). 6 submissions from 6 submitters: Benign (5); Likely benign (1). Last evaluated 2026-02-04.

Conditions:
Jeune thoracic dystrophy. Also called: Short-rib thoracic dysplasia; Jeune syndrome; Infantile thoracic dystrophy; Thoracic pelvic phalangeal dystrophy; Jeune's syndrome; Chondroectodermal dysplasia-like syndrome. Identifiers: Orphanet 474, MedGen C0265275, MONDO:0018770.
Asphyxiating thoracic dystrophy 3. Also called: SHORT-RIB THORACIC DYSPLASIA 3 WITH OR WITHOUT POLYDACTYLY; POLYDACTYLY WITH NEONATAL CHONDRODYSTROPHY, TYPE I; SHORT-RIB THORACIC DYSPLASIA 3/6 WITH POLYDACTYLY, DIGENIC; Short rib polydactyly syndrome 2B; Saldino-Noonan Syndrome. Identifiers: Orphanet 474, Orphanet 93269, Orphanet 93270, Orphanet 93271, MedGen C0036069, MONDO:0013127, OMIM 613091.

Allele frequency attached by ClinVar (database versions not stated): gnomAD 0.02244; ESP Exome Variant Server 0.02366; 1000 Genomes Project 30x 0.02514; 1000 Genomes Project 0.02536; TOPMed 0.02544.
gnomAD v4.1: 6,879 of 1,598,844 alleles (0.43%); highest among the groups gnomAD compares: African/African-American, 8.2%; 287 homozygotes.

Submissions (6):

Labcorp Genetics (formerly Invitae), Labcorp
Classification: Benign for Jeune thoracic dystrophy. Last evaluated: 2026-02-04. Review status: criteria provided, single submitter. Criteria: Invitae Variant Classification Sherloc (09022015). Collection method: clinical testing. Allele origin: germline.

ARUP Laboratories, Molecular Genetics and Genomics, ARUP Laboratories
Classification: Benign for Asphyxiating thoracic dystrophy 3. Last evaluated: 2025-06-20. Review status: criteria provided, single submitter. Criteria: ARUP Molecular Germline Variant Investigation Process 2024. Collection method: clinical testing. Allele origin: germline.

Mayo Clinic Laboratories, Mayo Clinic
Classification: Benign. Last evaluated: 2023-04-03. Review status: criteria provided, single submitter. Criteria: ACMG Guidelines, 2015. Collection method: clinical testing. Allele origin: germline. Observed: 3 variant alleles.

Illumina Laboratory Services, Illumina
Classification: Benign for Asphyxiating thoracic dystrophy 3. Last evaluated: 2018-01-12. Review status: criteria provided, single submitter. Criteria: ICSL Variant Classification Criteria 13 December 2019. Collection method: clinical testing. Allele origin: germline.
Comment: This variant was observed in the ICSL laboratory as part of a predisposition screen in an ostensibly healthy population. It had not been previously curated by ICSL or reported in the Human Gene Mutation Database (HGMD: prior to June 1st, 2018), and was therefore a candidate for classification through an automated scoring system. Utilizing variant allele frequency, disease prevalence and penetrance estimates, and inheritance mode, an automated score was calculated to assess if this variant is too frequent to cause the disease. Based on the score and internal cut-off values, a variant classified as benign is not then subjected to further curation. The score for this variant resulted in a classification of benign for this disease.

GeneDx
Classification: Benign. Last evaluated: 2016-09-14. Review status: criteria provided, single submitter. Criteria: GeneDx Variant Classification (06012015). Collection method: clinical testing. Allele origin: germline. Affected: yes.
Comment: This variant is considered likely benign or benign based on one or more of the following criteria: it is a conservative change, it occurs at a poorly conserved position in the protein, it is predicted to be benign by multiple in silico algorithms, and/or has population frequency not consistent with disease.

Breakthrough Genomics
Classification: Likely benign. Review status: criteria provided, single submitter. Criteria: ACMG Guidelines, 2015. Collection method: not provided. Allele origin: germline. Inheritance: Autosomal recessive inheritance. Affected: yes.